The following is an entry in ClinVar:

ClinVar aggregate classification (germline): Likely benign (1 of 4 stars; one submission).

Conditions:
Retinal cone dystrophy 4 (RCD4). Identifiers: Orphanet 1872, MedGen C1864849, MONDO:0012507, OMIM 610478.

Allele frequency attached by ClinVar (database versions not stated): gnomAD exomes 0.00021; gnomAD 0.00202 and 0.00214; TOPMed 0.00225; 1000 Genomes Project 0.00240; 1000 Genomes Project 30x 0.00328.
gnomAD v4.1: 396 of 578,518 alleles (0.068%); highest among the groups gnomAD compares: African/African-American, 0.71%; 3 homozygotes.

Submission:

Illumina Laboratory Services, Illumina
Classification: Likely benign for Retinal cone dystrophy 4. Last evaluated: 2018-01-13. Review status: criteria provided, single submitter. Criteria: ICSL Variant Classification Criteria 13 December 2019. Collection method: clinical testing. Allele origin: germline.
Comment: This variant was observed in the ICSL laboratory as part of a predisposition screen in an ostensibly healthy population. It had not been previously curated by ICSL or reported in the Human Gene Mutation Database (HGMD: prior to June 1st, 2018), and was therefore a candidate for classification through an automated scoring system. Utilizing variant allele frequency, disease prevalence and penetrance estimates, and inheritance mode, an automated score was calculated to assess if this variant is too frequent to cause the disease. Based on the score and internal cut-off values, a variant classified as likely benign is not then subjected to further curation. The score for this variant resulted in a classification of likely benign for this disease.

NM_172364.5(CACNA2D4):c.-174C>T

Gene: CACNA2D4 (calcium voltage-gated channel auxiliary subunit alpha2delta 4; minus strand). Cytogenetic location: 12p13.33.
Variant type: single nucleotide variant.
Coding change: c.-174C>T on transcript NM_172364.5 (MANE Select); 174 bases upstream of the start codon, C replaced by T.
Molecular consequence: 5 prime UTR variant.
Genome position (GRCh38, 1-based): chr12:1,918,647, G>A on the plus strand (C>T on the coding strand, the complement: CACNA2D4 is on the minus strand). VCF-style: chr12-1918647-G-A. GRCh37 (hg19) VCF-style: chr12-2027813-G-A.
Identifiers: ClinVar variation 307879 (VCV000307879.5), dbSNP rs374494829, ClinGen allele CA10632353.